The following is an entry in ClinVar:

NM_000722.4(CACNA2D1):c.1231T>C (p.Tyr411His)

Genes: CACNA2D1 (calcium voltage-gated channel auxiliary subunit alpha2delta 1; minus strand), CACNA2D1-AS1 (CACNA2D1 antisense RNA 1; plus strand). Cytogenetic location: 7q21.11.
Variant type: single nucleotide variant.
Coding change: c.1231T>C on transcript NM_000722.4 (MANE Select); coding-DNA position 1231, T replaced by C.
Protein change: p.Tyr411His; replaces tyrosine 411 with histidine.
Molecular consequence: missense variant.
Genome position (GRCh38, 1-based): chr7:82,013,502, A>G on the plus strand (T>C on the coding strand, the complement: CACNA2D1 is on the minus strand). VCF-style: chr7-82013502-A-G. GRCh37 (hg19) VCF-style: chr7-81642818-A-G.
Other names: c.1231T>C, p.Tyr411His (NM_001366867.1); short protein forms Y411H.
Identifiers: ClinVar variation 1755768 (VCV001755768.2), dbSNP rs1406534856, ClinGen allele CA367878015.

ClinVar aggregate classification (germline): Uncertain significance (1 of 4 stars; one submission).

Conditions:
Cardiovascular phenotype. Identifiers: MedGen CN230736.

Allele frequency attached by ClinVar (database versions not stated): TOPMed below 0.00001.

Submission:

Ambry Genetics
Classification: Uncertain significance for Cardiovascular phenotype. Last evaluated: 2021-07-22. Review status: criteria provided, single submitter. Criteria: Ambry Variant Classification Scheme 2023. Collection method: clinical testing. Allele origin: germline.
Comment: The p.Y411H variant (also known as c.1231T>C), located in coding exon 14 of the CACNA2D1 gene, results from a T to C substitution at nucleotide position 1231. The tyrosine at codon 411 is replaced by histidine, an amino acid with similar properties. This amino acid position is conserved. In addition, the in silico prediction for this alteration is inconclusive. Since supporting evidence is limited at this time, the clinical significance of this alteration remains unclear.